The following is an entry in ClinVar:

NM_000038.6(APC):c.220+5A>G

Gene: APC (APC regulator of Wnt signaling pathway; plus strand). Cytogenetic location: 5q22.2.
Variant type: single nucleotide variant.
Coding change: c.220+5A>G on transcript NM_000038.6 (MANE Select); 5 bases into the intron after coding-DNA position 220, A replaced by G.
Molecular consequence: intron variant.
Genome position (GRCh38, 1-based): chr5:112,766,415, A>G. VCF-style: chr5-112766415-A-G. GRCh37 (hg19) VCF-style: chr5-112102112-A-G.
Other names: c.220+5A>G (NM_001354895.2, NM_001127510.3, NM_001354896.2 and 2 more transcripts); c.250+5A>G (NM_001354897.2, NM_001354902.2, NM_001127511.3); c.145+5A>G (NM_001354898.2, NM_001354904.2); c.-816+5A>G (NM_001354906.2); c.43+5A>G (NM_001354900.2, NM_001354901.2, NM_001354905.2).
Identifiers: ClinVar variation 469732 (VCV000469732.8), dbSNP rs1554069584, ClinGen allele CA658657471.
Genomic context (GRCh38, chr5:112,766,415, plus strand): 5'-TGAAGATGAAGCTATGGCTTCTTCTGGACAGATTGATTTATTAGAGCGTCTTAAAGGTAG[A>G]TTTTAAAAAGGTGTTTTAAAATAATTTTTTAAGCTCAAATTGTCATCTTTAGGTGTGTAG-3'

ClinVar aggregate classification (germline): Uncertain significance. Review status: criteria provided, multiple submitters, no conflicts (2 of 4 stars). 2 submissions from 2 submitters: Uncertain significance (2). Last evaluated 2023-01-11.

Conditions:
Hereditary cancer-predisposing syndrome. Also called: Hereditary neoplastic syndrome; Neoplastic Syndromes, Hereditary; Tumor predisposition; Hereditary Cancer Syndrome. Identifiers: Orphanet 140162, MedGen C0027672, MeSH D009386, MONDO:0015356.
Familial adenomatous polyposis 1 (FAP1). Also called: POLYPOSIS, ADENOMATOUS INTESTINAL; FAMILIAL ADENOMATOUS POLYPOSIS 1, ATTENUATED. Identifiers: MedGen C2713442, MONDO:0021056, OMIM 175100. Disease mechanism: loss of function.

Submissions (2):

Ambry Genetics
Classification: Uncertain significance for Hereditary cancer-predisposing syndrome. Last evaluated: 2023-01-11. Review status: criteria provided, single submitter. Criteria: Ambry Variant Classification Scheme 2023. Collection method: clinical testing. Allele origin: germline.
Comment: The c.220+5A>G intronic variant results from an A to G substitution 5 nucleotides after coding exon 2 in the APC gene. This nucleotide position is not well conserved in available vertebrate species. In silico splice site analysis predicts that this alteration will not have any significant effect on splicing. Since supporting evidence is limited at this time, the clinical significance of this alteration remains unclear.

Labcorp Genetics (formerly Invitae), Labcorp
Classification: Uncertain significance for Familial adenomatous polyposis 1. Last evaluated: 2021-09-01. Review status: criteria provided, single submitter. Criteria: Invitae Variant Classification Sherloc (09022015). Collection method: clinical testing. Allele origin: germline.
Comment: This sequence change falls in intron 3 of the APC gene. It does not directly change the encoded amino acid sequence of the APC protein. It affects a nucleotide within the consensus splice site of the intron. This variant is not present in population databases (ExAC no frequency). This variant has not been reported in the literature in individuals affected with APC-related conditions. ClinVar contains an entry for this variant (Variation ID: 469732). Variants that disrupt the consensus splice site are a relatively common cause of aberrant splicing (PMID: 17576681, 9536098). Algorithms developed to predict the effect of sequence changes on RNA splicing suggest that this variant is not likely to affect RNA splicing. In summary, the available evidence is currently insufficient to determine the role of this variant in disease. Therefore, it has been classified as a Variant of Uncertain Significance.

Literature cited by the submitters: PubMed 17576681 (cited by Labcorp Genetics (formerly Invitae), Labcorp); PubMed 9536098 (cited by Labcorp Genetics (formerly Invitae), Labcorp).